The following is an entry in ClinVar:

NM_145207.3(AFG2A):c.163+5A>G

Gene: AFG2A (AFG2 AAA ATPase homolog A; plus strand). Cytogenetic location: 4q28.1.
Variant type: single nucleotide variant.
Coding change: c.163+5A>G on transcript NM_145207.3 (MANE Select); 5 bases into the intron after coding-DNA position 163, A replaced by G.
Molecular consequence: intron variant.
Genome position (GRCh38, 1-based): chr4:122,923,310, A>G. VCF-style: chr4-122923310-A-G. GRCh37 (hg19) VCF-style: chr4-123844465-A-G.
Other names: c.163+5A>G (NM_001345856.2, NM_001317799.2).
Identifiers: ClinVar variation 1491312 (VCV001491312.3), dbSNP rs1195704154, ClinGen allele CA554525569.

ClinVar aggregate classification (germline): Uncertain significance (1 of 4 stars; one submission).

Conditions:
Microcephaly-intellectual disability-sensorineural hearing loss-epilepsy-abnormal muscle tone syndrome (NEDHSB). Also called: NEURODEVELOPMENTAL DISORDER WITH HEARING LOSS, SEIZURES, AND BRAIN ABNORMALITIES. Identifiers: Orphanet 457351, MedGen C4225276, MONDO:0014698, OMIM 616577.

Allele frequency attached by ClinVar (database versions not stated): gnomAD exomes below 0.00001.
gnomAD v4.1: 2 of 1,613,740 alleles (0.00012%); highest among the groups gnomAD compares: Admixed American, 0.0017%; no homozygotes.

Submission:

Labcorp Genetics (formerly Invitae), Labcorp
Classification: Uncertain significance for Microcephaly-intellectual disability-sensorineural hearing loss-epilepsy-abnormal muscle tone syndrome. Last evaluated: 2021-09-15. Review status: criteria provided, single submitter. Criteria: Invitae Variant Classification Sherloc (09022015). Collection method: clinical testing. Allele origin: germline.
Comment: This sequence change falls in intron 1 of the SPATA5 gene. It does not directly change the encoded amino acid sequence of the SPATA5 protein. It affects a nucleotide within the consensus splice site of the intron. This variant is not present in population databases (ExAC no frequency). This variant has not been reported in the literature in individuals affected with SPATA5-related conditions. Variants that disrupt the consensus splice site are a relatively common cause of aberrant splicing (PMID: 17576681, 9536098). Algorithms developed to predict the effect of sequence changes on RNA splicing suggest that this variant may create or strengthen a splice site. In summary, the available evidence is currently insufficient to determine the role of this variant in disease. Therefore, it has been classified as a Variant of Uncertain Significance.

Literature cited by the submitters: PubMed 17576681; PubMed 9536098.